The following is an entry in ClinVar:

ClinVar aggregate classification (germline): Uncertain significance (1 of 4 stars; one submission).

Conditions:
H syndrome. Also called: HISTIOCYTOSIS AND LYMPHADENOPATHY WITH OR WITHOUT CUTANEOUS, CARDIAC, AND/OR ENDOCRINE FEATURES, JOINT CONTRACTURES, AND/OR DEAFNESS; HYPERPIGMENTATION, CUTANEOUS, WITH HYPERTRICHOSIS, HEPATOSPLENOMEGALY, HEART ANOMALIES, AND HYPOGONADISM WITH OR WITHOUT HEARING LOSS; PIGMENTED HYPERTRICHOSIS WITH INSULIN-DEPENDENT DIABETES MELLITUS; ROSAI-DORFMAN DISEASE, FAMILIAL; SINUS HISTIOCYTOSIS AND MASSIVE LYMPHADENOPATHY; Hyperpigmentation, Cutaneous, with Hypertrichosis, Hepatosplenomegaly, Heart Anomalies, Hearing Loss, and Hypogonadism. Identifiers: Orphanet 168569, MedGen C1864445, MONDO:0011273, OMIM 602782.

Allele frequency attached by ClinVar (database versions not stated): TOPMed below 0.00001; gnomAD 0.00001.

Submission:

Labcorp Genetics (formerly Invitae), Labcorp
Classification: Uncertain significance for H syndrome. Last evaluated: 2022-08-23. Review status: criteria provided, single submitter. Criteria: Invitae Variant Classification Sherloc (09022015). Collection method: clinical testing. Allele origin: germline.
Comment: This sequence change replaces glycine, which is neutral and non-polar, with glutamic acid, which is acidic and polar, at codon 381 of the SLC29A3 protein (p.Gly381Glu). This variant is not present in population databases (gnomAD no frequency). This variant has not been reported in the literature in individuals affected with SLC29A3-related conditions. Algorithms developed to predict the effect of missense changes on protein structure and function are either unavailable or do not agree on the potential impact of this missense change (SIFT: "Tolerated"; PolyPhen-2: "Possibly Damaging"; Align-GVGD: "Class C0"). In summary, the available evidence is currently insufficient to determine the role of this variant in disease. Therefore, it has been classified as a Variant of Uncertain Significance.

NM_018344.6(SLC29A3):c.1142G>A (p.Gly381Glu)

Gene: SLC29A3 (solute carrier family 29 member 3; plus strand). Cytogenetic location: 10q22.1.
Variant type: single nucleotide variant.
Coding change: c.1142G>A on transcript NM_018344.6 (MANE Select); coding-DNA position 1142, G replaced by A.
Protein change: p.Gly381Glu; replaces glycine 381 with glutamic acid.
Molecular consequence: missense variant. On other transcripts: 3 prime UTR variant (1), non-coding transcript variant (2).
Genome position (GRCh38, 1-based): chr10:71,362,322, G>A. VCF-style: chr10-71362322-G-A. GRCh37 (hg19) VCF-style: chr10-73122079-G-A.
Other names: c.*371G>A (NM_001174098.2); c.908G>A, p.Gly303Glu (NM_001363518.2); short protein forms G381E, G303E.
Identifiers: ClinVar variation 2059136 (VCV002059136.1), dbSNP rs1835368591, ClinGen allele CA377116918.